The following is an entry in ClinVar:

NM_000755.5(CRAT):c.1636G>A (p.Ala546Thr)

Gene: CRAT (carnitine O-acetyltransferase; minus strand). Cytogenetic location: 9q34.11.
Variant type: single nucleotide variant.
Coding change: c.1636G>A on transcript NM_000755.5 (MANE Select); coding-DNA position 1636, G replaced by A.
Protein change: p.Ala546Thr; replaces alanine 546 with threonine.
Molecular consequence: missense variant. On other transcripts: intron variant (2).
Genome position (GRCh38, 1-based): chr9:129,096,027, C>T on the plus strand (G>A on the coding strand, the complement: CRAT is on the minus strand). VCF-style: chr9-129096027-C-T. GRCh37 (hg19) VCF-style: chr9-131858306-C-T.
Other names: c.1573G>A, p.Ala525Thr (NM_001257363.3, NM_004003.4); c.1639G>A, p.Ala547Thr (NM_001346546.2); c.1516G>A, p.Ala506Thr (NM_001346549.2); c.1593+43G>A (NM_001346547.2); c.1530+43G>A (NM_001346548.2); c.1636G>A (NM_000755.3); short protein forms A506T, A546T, A547T, A525T.
Identifiers: ClinVar variation 2905220 (VCV002905220.4), dbSNP rs1408409293, ClinGen allele CA375139827.

ClinVar aggregate classification (germline): Uncertain significance. Review status: criteria provided, multiple submitters, no conflicts (2 of 4 stars). 2 submissions from 2 submitters: Uncertain significance (2). Last evaluated 2025-10-03.

Allele frequency attached by ClinVar (database versions not stated): gnomAD exomes below 0.00001; TOPMed 0.00002.
gnomAD v4.1: 4 of 1,613,996 alleles (0.00025%); highest among the groups gnomAD compares: South Asian, 0.0011%; no homozygotes.

Submissions (2):

Labcorp Genetics (formerly Invitae), Labcorp
Classification: Uncertain significance. Last evaluated: 2025-10-03. Review status: criteria provided, single submitter. Criteria: Invitae Variant Classification Sherloc (09022015). Collection method: clinical testing. Allele origin: germline.
Comment: This sequence change replaces alanine, which is neutral and non-polar, with threonine, which is neutral and polar, at codon 546 of the CRAT protein (p.Ala546Thr). This variant is not present in population databases (gnomAD no frequency). This variant has not been reported in the literature in individuals affected with CRAT-related conditions. ClinVar contains an entry for this variant (Variation ID: 2905220). Invitae Evidence Modeling of protein sequence and biophysical properties (such as structural, functional, and spatial information, amino acid conservation, physicochemical variation, residue mobility, and thermodynamic stability) indicates that this missense variant is not expected to disrupt CRAT protein function with a negative predictive value of 80%. In summary, the available evidence is currently insufficient to determine the role of this variant in disease. Therefore, it has been classified as a Variant of Uncertain Significance.

Ambry Genetics
Classification: Uncertain significance. Last evaluated: 2023-12-12. Review status: criteria provided, single submitter. Criteria: Ambry Variant Classification Scheme 2023. Collection method: clinical testing. Allele origin: germline.